The following is an entry in ClinVar:

NM_004415.4(DSP):c.7810A>G (p.Ile2604Val)

Gene: DSP (desmoplakin; plus strand). Cytogenetic location: 6p24.3.
Variant type: single nucleotide variant.
Coding change: c.7810A>G on transcript NM_004415.4 (MANE Select); coding-DNA position 7810, A replaced by G.
Protein change: p.Ile2604Val; replaces isoleucine 2604 with valine.
Molecular consequence: missense variant.
Genome position (GRCh38, 1-based): chr6:7,585,072, A>G. VCF-style: chr6-7585072-A-G. GRCh37 (hg19) VCF-style: chr6-7585305-A-G.
Other names: c.7810A>G (LRG_423t1); c.6013A>G, p.Ile2005Val (NM_001008844.3); c.6481A>G, p.Ile2161Val (NM_001319034.2); short protein forms I2604V, I2005V, I2161V.
Identifiers: ClinVar variation 465912 (VCV000465912.17), dbSNP rs1301635888, ClinGen allele CA362693825.
Genomic context (GRCh38, chr6:7,585,072, plus strand): 5'-AGCTCCCGACATGAATCAGTAAGTAAGATTTCCACCATATCCAGCGTCAGGAATTTAACC[A>G]TAAGGAGCAGCTCTTTTTCAGACACCCTGGAAGAATCGAGCCCCATTGCAGCCATCTTTG-3'
Protein context (NP_004406.2, residues 2594-2614): STISSVRNLT[Ile2604Val]RSSSFSDTLE

ClinVar aggregate classification (germline): Conflicting classifications of pathogenicity. Review status: criteria provided, conflicting classifications (1 of 4 stars). 4 submissions from 4 submitters: Uncertain significance (3); Likely benign (1). Last evaluated 2024-03-06.

Conditions:
Arrhythmogenic right ventricular dysplasia 8 (ARVD8). Also called: Arrhythmogenic Right Ventricular Dysplasia/Cardiomyopathy 8; ARRHYTHMOGENIC RIGHT VENTRICULAR DYSPLASIA, FAMILIAL, 8; ARRHYTHMOGENIC RIGHT VENTRICULAR CARDIOMYOPATHY 8. Identifiers: MedGen C1843896, MONDO:0011831, OMIM 607450.
Arrhythmogenic cardiomyopathy with wooly hair and keratoderma. Also called: Dilated cardiomyopathy with woolly hair and keratoderma; Arrhythmogenic cardiomyopathy with woolly hair and keratoderma; PALMOPLANTAR KERATODERMA WITH LEFT VENTRICULAR CARDIOMYOPATHY AND WOOLLY HAIR; Carvajal syndrome. Identifiers: Orphanet 65282, MedGen C1854063, MONDO:0011581, OMIM 605676.
Woolly hair-skin fragility syndrome (WHSF). Identifiers: Orphanet 293165, MedGen C1843292, MONDO:0957307, OMIM 620415.
Cardiomyopathy, dilated, with wooly hair, keratoderma, and tooth agenesis. Also called: Erythrokeratodermia-cardiomyopathy syndrome; Cardiomyopathy, dilated, with woolly hair, keratoderma, and tooth agenesis. Identifiers: Orphanet 476096, Orphanet 65282, MedGen C4014393, MONDO:0014355, OMIM 615821.
Lethal acantholytic epidermolysis bullosa (EBLA). Identifiers: Orphanet 158687, MedGen C1864826, MONDO:0012323, OMIM 609638.
Keratosis palmoplantaris striata 2. Also called: KERATODERMA, PALMOPLANTAR, STRIATE FORM II; STRIATE PALMOPLANTAR KERATODERMA II; Keratosis palmoplantaris striata II. Identifiers: MedGen C1852127, MONDO:0013034, OMIM 612908.
Cardiomyopathy (CMYO). Also called: Cardiomyopathies. Identifiers: Orphanet 167848, MedGen C0878544, MONDO:0004994, HP:0001638. Inheritance: Various modes of inheritance.

Allele frequency attached by ClinVar (database versions not stated): gnomAD exomes below 0.00001; gnomAD 0.00001; TOPMed 0.00001.
gnomAD v4.1: 3 of 1,614,080 alleles (0.00019%); highest among the groups gnomAD compares: Admixed American, 0.0017%; no homozygotes.

Submissions (4):

Color Diagnostics, LLC DBA Color Health
Classification: Uncertain significance for Cardiomyopathy. Last evaluated: 2024-03-06. Review status: criteria provided, single submitter. Criteria: ACMG Guidelines, 2015. Collection method: clinical testing. Allele origin: germline.
Comment: This missense variant replaces isoleucine with valine at codon 2604 of the DSP protein. Computational prediction suggests that this variant may not impact protein structure and function (internally defined REVEL score threshold <= 0.5, PMID: 27666373). Splice site prediction tools suggest that this variant may not impact RNA splicing. To our knowledge, functional studies have not been performed for this variant. This variant has not been reported in individuals affected with cardiovascular disorders in the literature. This variant has been identified in 1/251398 chromosomes in the general population by the Genome Aggregation Database (gnomAD). The available evidence is insufficient to determine the role of this variant in disease conclusively. Therefore, this variant is classified as a Variant of Uncertain Significance.

GeneDx
Classification: Uncertain significance. Last evaluated: 2022-12-30. Review status: criteria provided, single submitter. Criteria: GeneDx Variant Classification Process June 2021. Collection method: clinical testing. Allele origin: germline. Affected: yes.
Comment: Not observed at significant frequency in large population cohorts (gnomAD); In silico analysis supports that this missense variant does not alter protein structure/function; Has not been previously published as pathogenic or benign to our knowledge

Labcorp Genetics (formerly Invitae), Labcorp
Classification: Likely benign for Arrhythmogenic cardiomyopathy with wooly hair and keratoderma; Arrhythmogenic right ventricular dysplasia 8. Last evaluated: 2022-09-20. Review status: criteria provided, single submitter. Criteria: Invitae Variant Classification Sherloc (09022015). Collection method: clinical testing. Allele origin: germline.

Fulgent Genetics
Classification: Uncertain significance for Arrhythmogenic cardiomyopathy with wooly hair and keratoderma; Arrhythmogenic right ventricular dysplasia 8; Lethal acantholytic epidermolysis bullosa; Keratosis palmoplantaris striata 2; Cardiomyopathy, dilated, with wooly hair, keratoderma, and tooth agenesis. Last evaluated: 2021-10-21. Review status: criteria provided, single submitter. Criteria: ACMG Guidelines, 2015. Collection method: clinical testing. Allele origin: unknown.